The following is an entry in ClinVar:

NM_000237.3(LPL):c.919A>T (p.Lys307Ter)

Gene: LPL (lipoprotein lipase; plus strand). Cytogenetic location: 8p21.3.
Variant type: single nucleotide variant.
Coding change: c.919A>T on transcript NM_000237.3 (MANE Select); coding-DNA position 919, A replaced by T.
Protein change: p.Lys307Ter; replaces lysine 307 with a stop codon.
Molecular consequence: nonsense.
Genome position (GRCh38, 1-based): chr8:19,955,984, A>T. VCF-style: chr8-19955984-A-T. GRCh37 (hg19) VCF-style: chr8-19813495-A-T.
Other names: short protein forms K307*.
Identifiers: ClinVar variation 1458039 (VCV001458039.6), dbSNP rs2069981391, ClinGen allele CA370469245.

ClinVar aggregate classification (germline): Pathogenic (1 of 4 stars; one submission).

Submission:

Labcorp Genetics (formerly Invitae), Labcorp
Classification: Pathogenic. Last evaluated: 2021-07-30. Review status: criteria provided, single submitter. Criteria: Invitae Variant Classification Sherloc (09022015). Collection method: clinical testing. Allele origin: germline.
Comment: For these reasons, this variant has been classified as Pathogenic. This variant has not been reported in the literature in individuals affected with LPL-related conditions. This variant is not present in population databases (ExAC no frequency). This sequence change creates a premature translational stop signal (p.Lys307*) in the LPL gene. It is expected to result in an absent or disrupted protein product. Loss-of-function variants in LPL are known to be pathogenic (PMID: 11334614).

Literature cited by the submitters: PubMed 11334614.